The following is an entry in ClinVar:

ClinVar aggregate classification (germline): Uncertain significance (1 of 4 stars; one submission).

Conditions:
Hereditary cancer-predisposing syndrome. Also called: Neoplastic Syndromes, Hereditary; Tumor predisposition; Hereditary Cancer Syndrome; Hereditary neoplastic syndrome. Identifiers: Orphanet 140162, MedGen C0027672, MeSH D009386, MONDO:0015356.
Cardiovascular phenotype. Identifiers: MedGen CN230736.

Allele frequency attached by ClinVar (database versions not stated): gnomAD exomes below 0.00001.
gnomAD v4.1: 1 of 1,614,170 alleles (0.000062%); highest among the groups gnomAD compares: Admixed American, 0.0017%; no homozygotes.

Submission:

Ambry Genetics
Classification: Uncertain significance for Cardiovascular phenotype; Hereditary cancer-predisposing syndrome. Last evaluated: 2023-11-02. Review status: criteria provided, single submitter. Criteria: Ambry Variant Classification Scheme 2023. Collection method: clinical testing. Allele origin: germline.
Comment: The p.S1352R variant (also known as c.4054A>C), located in coding exon 30 of the NF1 gene, results from an A to C substitution at nucleotide position 4054. The serine at codon 1352 is replaced by arginine, an amino acid with dissimilar properties. This amino acid position is not well conserved in available vertebrate species. In addition, the in silico prediction for this alteration is inconclusive. Since supporting evidence is limited at this time, the clinical significance of this alteration remains unclear.

NM_001042492.3(NF1):c.4054A>C (p.Ser1352Arg)

Gene: NF1 (neurofibromin 1; plus strand). Cytogenetic location: 17q11.2.
Variant type: single nucleotide variant.
Coding change: c.4054A>C on transcript NM_001042492.3 (MANE Select); coding-DNA position 4054, A replaced by C.
Protein change: p.Ser1352Arg; replaces serine 1352 with arginine.
Molecular consequence: missense variant.
Genome position (GRCh38, 1-based): chr17:31,249,063, A>C. VCF-style: chr17-31249063-A-C. GRCh37 (hg19) VCF-style: chr17-29576081-A-C.
Other names: c.4054A>C, p.Ser1352Arg (NM_000267.4); short protein forms S1352R.
Identifiers: ClinVar variation 1737396 (VCV001737396.2), dbSNP rs1337343400, ClinGen allele CA398994984.